The following is an entry in ClinVar:

ClinVar aggregate classification (germline): Benign/Likely benign. Review status: criteria provided, multiple submitters, no conflicts (2 of 4 stars). 5 submissions from 5 submitters: Benign (4); Likely benign (1). Last evaluated 2026-06-18.

Conditions:
PDYN-related disorder. Also called: PDYN-related condition.

Allele frequency attached by ClinVar (database versions not stated): gnomAD exomes 0.00027 and 0.00072; ExAC 0.00096; 1000 Genomes Project 0.00280; gnomAD 0.00296 and 0.00321; 1000 Genomes Project 30x 0.00328; TOPMed 0.00339; ESP Exome Variant Server 0.00346.
gnomAD v4.1: 877 of 1,614,022 alleles (0.054%); highest among the groups gnomAD compares: African/African-American, 1%; 1 homozygote.

Submissions (5):

PreventionGenetics, part of Exact Sciences
Classification: Benign for PDYN-related condition. Last evaluated: 2026-06-18. Review status: criteria provided, single submitter. Criteria: ACMG Guidelines, 2015. Collection method: clinical testing. Allele origin: germline.
Comment: This variant is classified as benign based on ACMG/AMP sequence variant interpretation guidelines (Richards et al. 2015 PMID: 25741868, with internal and published modifications).

Labcorp Genetics (formerly Invitae), Labcorp
Classification: Benign. Last evaluated: 2025-11-25. Review status: criteria provided, single submitter. Criteria: Invitae Variant Classification Sherloc (09022015). Collection method: clinical testing. Allele origin: germline.

Athena Diagnostics
Classification: Benign. Last evaluated: 2025-10-27. Review status: criteria provided, single submitter. Criteria: Athena Diagnostics Criteria. Collection method: clinical testing. Allele origin: unknown.
Comment: The frequency of this variant in the general population is higher than would generally be expected for pathogenic variants in this gene. Computational tools predict this amino acid change may be benign. This variant has been seen where an alternate explanation for disease was also identified.

Blueprint Genetics
Classification: Likely benign. Last evaluated: 2024-09-11. Review status: criteria provided, single submitter. Criteria: ACMG Guidelines, 2015. Collection method: clinical testing. Allele origin: germline.

Mayo Clinic Laboratories, Mayo Clinic
Classification: Benign. Last evaluated: 2022-02-25. Review status: criteria provided, single submitter. Criteria: ACMG Guidelines, 2015. Collection method: clinical testing. Allele origin: germline. Observed: 3 variant alleles.
Comment: BS1, BS2

NM_024411.5(PDYN):c.712A>G (p.Thr238Ala)

Genes: PDYN (prodynorphin; minus strand), PDYN-AS1 (PDYN antisense RNA 1; plus strand). Cytogenetic location: 20p13.
Variant type: single nucleotide variant.
Coding change: c.712A>G on transcript NM_024411.5 (MANE Select); coding-DNA position 712, A replaced by G.
Protein change: p.Thr238Ala; replaces threonine 238 with alanine.
Molecular consequence: missense variant.
Genome position (GRCh38, 1-based): chr20:1,980,376, T>C on the plus strand (A>G on the coding strand, the complement: PDYN is on the minus strand). VCF-style: chr20-1980376-T-C. GRCh37 (hg19) VCF-style: chr20-1961022-T-C.
Other names: c.712A>G, p.Thr238Ala (NM_001190892.1, NM_001190898.3, NM_001190899.2 and 1 more transcripts); short protein forms T238A.
Identifiers: ClinVar variation 447931 (VCV000447931.16), dbSNP rs112907294, ClinGen allele CA9730218.